The following is an entry in ClinVar:

NM_005477.3(HCN4):c.2109C>T (p.Phe703=)

Gene: HCN4 (hyperpolarization activated cyclic nucleotide gated potassium channel 4; minus strand). Cytogenetic location: 15q24.1.
Variant type: single nucleotide variant.
Coding change: c.2109C>T on transcript NM_005477.3 (MANE Select); coding-DNA position 2109, C replaced by T.
Protein change: p.Phe703=; no amino-acid change (phenylalanine 703 retained).
Molecular consequence: synonymous variant.
Genome position (GRCh38, 1-based): chr15:73,324,123, G>A on the plus strand (C>T on the coding strand, the complement: HCN4 is on the minus strand). VCF-style: chr15-73324123-G-A. GRCh37 (hg19) VCF-style: chr15-73616464-G-A.
Identifiers: ClinVar variation 681821 (VCV000681821.18), dbSNP rs150378994, ClinGen allele CA7649127.

ClinVar aggregate classification (germline): Likely benign. Review status: criteria provided, multiple submitters, no conflicts (2 of 4 stars). 6 submissions from 6 submitters: Likely benign (3). 3 of the submissions do not count toward it. Last evaluated 2026-01-13.

Conditions:
Cardiovascular phenotype. Identifiers: MedGen CN230736.
Brugada syndrome 8 (BRGDA8). Identifiers: Orphanet 130, MedGen C2751083, MONDO:0013148, OMIM 613123.
HCN4-related disorder. Also called: HCN4-related condition.

Allele frequency attached by ClinVar (database versions not stated): gnomAD exomes 0.00002 and 0.00006; ExAC 0.00010; gnomAD 0.00021; TOPMed 0.00024; ESP Exome Variant Server 0.00031.
gnomAD v4.1: 67 of 1,613,450 alleles (0.0042%); highest among the groups gnomAD compares: African/African-American, 0.06%; 1 homozygote.

Submissions (6):

Labcorp Genetics (formerly Invitae), Labcorp
Classification: Likely benign for Brugada syndrome 8. Last evaluated: 2026-01-13. Review status: criteria provided, single submitter. Criteria: Invitae Variant Classification Sherloc (09022015). Collection method: clinical testing. Allele origin: germline.

Ambry Genetics
Classification: Likely benign for Cardiovascular phenotype. Last evaluated: 2019-08-10. Review status: criteria provided, single submitter. Criteria: Ambry Variant Classification Scheme 2023. Collection method: clinical testing. Allele origin: germline.

GeneDx
Classification: Likely benign. Last evaluated: 2018-04-10. Review status: criteria provided, single submitter. Criteria: GeneDx Variant Classification (06012015). Collection method: clinical testing. Allele origin: germline. Affected: yes.
Comment: This variant is considered likely benign or benign based on one or more of the following criteria: it is a conservative change, it occurs at a poorly conserved position in the protein, it is predicted to be benign by multiple in silico algorithms, and/or has population frequency not consistent with disease.

PreventionGenetics, part of Exact Sciences
Classification: Likely benign for HCN4-related condition. Last evaluated: 2021-06-01. Review status: no assertion criteria provided. Collection method: clinical testing. Allele origin: germline. Not counted in ClinVar's aggregate classification.
Comment: This variant is classified as likely benign based on ACMG/AMP sequence variant interpretation guidelines (Richards et al. 2015 PMID: 25741868, with internal and published modifications).

Clinical Genetics DNA and cytogenetics Diagnostics Lab, Erasmus MC, Erasmus Medical Center
Classification: Likely benign. Review status: no assertion criteria provided. Collection method: clinical testing. Allele origin: germline. Affected: yes. Study: VKGL Data-share Consensus. Not counted in ClinVar's aggregate classification.

Clinical Genetics, Academic Medical Center
Classification: Benign. Review status: no assertion criteria provided. Collection method: clinical testing. Allele origin: germline. Affected: yes. Study: VKGL Data-share Consensus. Not counted in ClinVar's aggregate classification.